The following is an entry in ClinVar:

ClinVar aggregate classification (germline): Pathogenic (1 of 4 stars; one submission).

Conditions:
Joubert syndrome. Also called: CEREBELLOPARENCHYMAL DISORDER IV; JOUBERT-BOLTSHAUSER SYNDROME; Familial aplasia of the vermis. Identifiers: Orphanet 475, MedGen C5979921, MONDO:0018772.
Meckel-Gruber syndrome. Also called: DYSENCEPHALIA SPLANCHNOCYSTICA; GRUBER SYNDROME; Dysencephalia splachnocystica. Identifiers: Orphanet 564, MedGen C0265215, MONDO:0018921.

Allele frequency attached by ClinVar (database versions not stated): TOPMed 0.00001.

Submission:

Labcorp Genetics (formerly Invitae), Labcorp
Classification: Pathogenic for Joubert syndrome; Meckel-Gruber syndrome. Last evaluated: 2023-03-03. Review status: criteria provided, single submitter. Criteria: Invitae Variant Classification Sherloc (09022015). Collection method: clinical testing. Allele origin: germline.
Comment: For these reasons, this variant has been classified as Pathogenic. This variant has not been reported in the literature in individuals affected with RPGRIP1L-related conditions. This variant is not present in population databases (gnomAD no frequency). This sequence change creates a premature translational stop signal (p.Leu236*) in the RPGRIP1L gene. It is expected to result in an absent or disrupted protein product. Loss-of-function variants in RPGRIP1L are known to be pathogenic (PMID: 17558409).

Literature cited by the submitters: PubMed 17558409.

NM_015272.5(RPGRIP1L):c.707T>A (p.Leu236Ter)

Gene: RPGRIP1L (RPGRIP1 like; minus strand). Cytogenetic location: 16q12.2.
Variant type: single nucleotide variant.
Coding change: c.707T>A on transcript NM_015272.5 (MANE Select); coding-DNA position 707, T replaced by A.
Protein change: p.Leu236Ter; replaces leucine 236 with a stop codon.
Molecular consequence: nonsense.
Genome position (GRCh38, 1-based): chr16:53,686,502, A>T on the plus strand (T>A on the coding strand, the complement: RPGRIP1L is on the minus strand). VCF-style: chr16-53686502-A-T. GRCh37 (hg19) VCF-style: chr16-53720414-A-T.
Other names: c.707T>A, p.Leu236Ter (NM_001127897.4, NM_001308334.3, NM_001330538.2); short protein forms L236*.
Identifiers: ClinVar variation 2944922 (VCV002944922.3), dbSNP rs1970024714, ClinGen allele CA395923881.